The following is an entry in ClinVar:

ClinVar aggregate classification (germline): Uncertain significance (1 of 4 stars; one submission).

Submission:

Labcorp Genetics (formerly Invitae), Labcorp
Classification: Uncertain significance. Last evaluated: 2023-07-17. Review status: criteria provided, single submitter. Criteria: Invitae Variant Classification Sherloc (09022015). Collection method: clinical testing. Allele origin: germline.
Comment: This variant is not present in population databases (gnomAD no frequency). In summary, the available evidence is currently insufficient to determine the role of this variant in disease. Therefore, it has been classified as a Variant of Uncertain Significance. Advanced modeling of protein sequence and biophysical properties (such as structural, functional, and spatial information, amino acid conservation, physicochemical variation, residue mobility, and thermodynamic stability) has been performed at Invitae for this missense variant, however the output from this modeling did not meet the statistical confidence thresholds required to predict the impact of this variant on DCHS1 protein function. This variant has not been reported in the literature in individuals affected with DCHS1-related conditions. This sequence change replaces leucine, which is neutral and non-polar, with proline, which is neutral and non-polar, at codon 2784 of the DCHS1 protein (p.Leu2784Pro).

NM_003737.4(DCHS1):c.8351T>C (p.Leu2784Pro)

Gene: DCHS1 (dachsous cadherin-related 1; minus strand). Cytogenetic location: 11p15.4.
Variant type: single nucleotide variant.
Coding change: c.8351T>C on transcript NM_003737.4 (MANE Select); coding-DNA position 8351, T replaced by C.
Protein change: p.Leu2784Pro; replaces leucine 2784 with proline.
Molecular consequence: missense variant.
Genome position (GRCh38, 1-based): chr11:6,623,325, A>G on the plus strand (T>C on the coding strand, the complement: DCHS1 is on the minus strand). VCF-style: chr11-6623325-A-G. GRCh37 (hg19) VCF-style: chr11-6644556-A-G.
Other names: short protein forms L2784P.
Identifiers: ClinVar variation 2744311 (VCV002744311.3), dbSNP rs2493811117, ClinGen allele CA379481200.